The following is an entry in ClinVar:

NM_000540.3(RYR1):c.9354G>A (p.Ala3118=)

Gene: RYR1 (ryanodine receptor 1; plus strand). Cytogenetic location: 19q13.2.
Variant type: single nucleotide variant.
Coding change: c.9354G>A on transcript NM_000540.3 (MANE Select); coding-DNA position 9354, G replaced by A.
Protein change: p.Ala3118=; no amino-acid change (alanine 3118 retained).
Molecular consequence: synonymous variant.
Genome position (GRCh38, 1-based): chr19:38,512,365, G>A. VCF-style: chr19-38512365-G-A. GRCh37 (hg19) VCF-style: chr19-39003005-G-A.
Other names: c.9354G>A, p.Ala3118= (NM_001042723.2).
Identifiers: ClinVar variation 281782 (VCV000281782.13), dbSNP rs146408926, ClinGen allele CA073516.
Genomic context (GRCh38, chr19:38,512,365, plus strand): 5'-TGCCTCGGAGGACATCGAGAAGATGGTGGAGAACCTGCGGCTGGGCAAGGTGTCGCAGGC[G>A]CGCACCCAGGTGAAAGGCGTGGGCCAGAACCTCACCTACACCACTGTGGCACTGCTGCCG-3'
Protein context (NP_000531.2, residues 3108-3128): ENLRLGKVSQ[Ala3118=]RTQVKGVGQN

ClinVar aggregate classification (germline): Conflicting classifications of pathogenicity. Review status: criteria provided, conflicting classifications (1 of 4 stars). 3 submissions from 3 submitters: Uncertain significance (1); Likely benign (2). Last evaluated 2024-09-17.

Conditions:
RYR1-related disorder. Also called: RYR1-related disorders; RYR1-related condition. Identifiers: MedGen CN239331.
Malignant hyperthermia, susceptibility to, 1 (MHS1). Also called: RYR1-Related Malignant Hyperthermia Susceptibility; Malignant hyperthermia suceptibility 1; Anesthesia related hyperthermia; Malignant hyperpyrexia; Fulminating hyperpyrexia; Pharmacogenic myopathy. Identifiers: Orphanet 423, MedGen C2930980, MONDO:0007783, OMIM 145600.

Allele frequency attached by ClinVar (database versions not stated): TOPMed 0.00001; gnomAD exomes 0.00002 and 0.00004; ExAC 0.00005; ESP Exome Variant Server 0.00008.
gnomAD v4.1: 26 of 1,613,956 alleles (0.0016%); highest among the groups gnomAD compares: South Asian, 0.0055%; no homozygotes.

Submissions (3):

Labcorp Genetics (formerly Invitae), Labcorp
Classification: Likely benign for RYR1-related disorder. Last evaluated: 2024-09-17. Review status: criteria provided, single submitter. Criteria: Invitae Variant Classification Sherloc (09022015). Collection method: clinical testing. Allele origin: germline.

All of Us Research Program, National Institutes of Health
Classification: Likely benign for Malignant hyperthermia, susceptibility to, 1. Last evaluated: 2023-11-20. Review status: criteria provided, single submitter. Criteria: ACMG Guidelines, 2015. Collection method: clinical testing. Allele origin: germline. Inheritance: Autosomal dominant inheritance. Observed: 2 variant alleles, 2 heterozygotes.
Comment: This study involves interpretation of variants in research participants for the purpose of population health screening. Participant phenotype was not available at the time of variant classification. Additional details can be found in publication PMID: 35346344, PMCID: PMC8962531

Eurofins Ntd Llc (ga)
Classification: Uncertain significance. Last evaluated: 2015-07-14. Review status: criteria provided, single submitter. Criteria: EGL Classification Definitions 2015. Collection method: clinical testing. Allele origin: germline. Observed: 1 variant allele, 1 heterozygote.